The following is an entry in ClinVar:

NM_001374828.1(ARID1B):c.2483del (p.Ser828fs)

Gene: ARID1B (AT-rich interaction domain 1B; plus strand). Cytogenetic location: 6q25.3.
Variant type: Deletion.
Coding change: c.2483del on transcript NM_001374828.1 (MANE Select); coding-DNA position 2483, one base deleted (G; older notation c.2483delG).
Protein change: p.Ser828fs; shifts the reading frame from serine 828.
Molecular consequence: frameshift variant. On other transcripts: 5 prime UTR variant (1).
Genome position (GRCh38, 1-based): chr6:157,084,897, G deleted. VCF-style (leftmost placement, unchanged base first): chr6-157084896-AG-A. GRCh37 (hg19) VCF-style: chr6-157406030-AG-A.
Other names: c.2522del, p.Ser841fs (NM_001374820.1, NM_001371656.1); c.2483del, p.Ser828fs (NM_017519.3); c.-17del (NM_001363725.2); short protein forms S828fs, S841fs.
Identifiers: ClinVar variation 3647857 (VCV003647857.2).

ClinVar aggregate classification (germline): Pathogenic (1 of 4 stars; one submission).

Submission:

Labcorp Genetics (formerly Invitae), Labcorp
Classification: Pathogenic. Last evaluated: 2024-03-27. Review status: criteria provided, single submitter. Criteria: Invitae Variant Classification Sherloc (09022015). Collection method: clinical testing. Allele origin: germline.
Comment: This sequence change creates a premature translational stop signal (p.Ser758Ilefs*24) in the ARID1B gene. It is expected to result in an absent or disrupted protein product. Loss-of-function variants in ARID1B are known to be pathogenic (PMID: 25674384, 30349098). This variant is not present in population databases (gnomAD no frequency). This variant has not been reported in the literature in individuals affected with ARID1B-related conditions. For these reasons, this variant has been classified as Pathogenic.

Literature cited by the submitters: PubMed 25674384; PubMed 30349098.